The following is an entry in ClinVar:

ClinVar aggregate classification (germline): Benign/Likely benign. Review status: criteria provided, multiple submitters, no conflicts (2 of 4 stars). 2 submissions from 2 submitters: Benign (1); Likely benign (1). Last evaluated 2018-01-13.

Conditions:
Mucopolysaccharidosis, MPS-IV-A (MPS4A). Also called: Mucopolysaccharidosis type IV A; Mucopolysaccharidosis Type IVA; Morquio syndrome A, mild; MORQUIO SYNDROME A; MPS IVA; mucopolysaccharidosis type 4A. Identifiers: Orphanet 309297, Orphanet 582, MedGen C0086651, MONDO:0009659, OMIM 253000.

Allele frequency attached by ClinVar (database versions not stated): gnomAD 0.04660; gnomAD exomes 0.04703; TOPMed 0.05316; 1000 Genomes Project 30x 0.05465; 1000 Genomes Project 0.05711.
gnomAD v4.1: 9,900 of 194,220 alleles (5.1%); highest among the groups gnomAD compares: Middle Eastern, 14%; 304 homozygotes.

Submissions (2):

Illumina Laboratory Services, Illumina
Classification: Benign for Mucopolysaccharidosis, MPS-IV-A. Last evaluated: 2018-01-13. Review status: criteria provided, single submitter. Criteria: ICSL Variant Classification Criteria 13 December 2019. Collection method: clinical testing. Allele origin: germline.
Comment: This variant was observed in the ICSL laboratory as part of a predisposition screen in an ostensibly healthy population. It had not been previously curated by ICSL or reported in the Human Gene Mutation Database (HGMD: prior to June 1st, 2018), and was therefore a candidate for classification through an automated scoring system. Utilizing variant allele frequency, disease prevalence and penetrance estimates, and inheritance mode, an automated score was calculated to assess if this variant is too frequent to cause the disease. Based on the score and internal cut-off values, a variant classified as benign is not then subjected to further curation. The score for this variant resulted in a classification of benign for this disease.

Breakthrough Genomics
Classification: Likely benign. Review status: criteria provided, single submitter. Criteria: ACMG Guidelines, 2015. Collection method: not provided. Allele origin: germline. Inheritance: Autosomal recessive inheritance. Affected: yes.

NM_000512.5(GALNS):c.*524G>C

Gene: GALNS (galactosamine (N-acetyl)-6-sulfatase; minus strand). Cytogenetic location: 16q24.3.
Variant type: single nucleotide variant.
Coding change: c.*524G>C on transcript NM_000512.5 (MANE Select); 524 bases downstream of the stop codon, G replaced by C.
Molecular consequence: 3 prime UTR variant.
Genome position (GRCh38, 1-based): chr16:88,813,915, C>G on the plus strand (G>C on the coding strand, the complement: GALNS is on the minus strand). VCF-style: chr16-88813915-C-G. GRCh37 (hg19) VCF-style: chr16-88880323-C-G.
Other names: c.*524G>C (NM_001323543.2, NM_001323544.2).
Identifiers: ClinVar variation 321174 (VCV000321174.7), dbSNP rs3759946, ClinGen allele CA10644575.